The following is an entry in ClinVar:

NC_012920.1(MT-TN):m.5728T>C

Gene: MT-TN (mitochondrially encoded tRNA asparagine; minus strand).
Variant type: single nucleotide variant.
Genome position: chrM-5728-T-C.
Other names: 5728A-G.
Identifiers: ClinVar variation 9622 (VCV000009622.5), dbSNP rs199476132, ClinGen allele CA120585.

ClinVar aggregate classification (germline): Likely pathogenic. Review status: reviewed by expert panel (3 of 4 stars). 7 submissions from 6 submitters: Likely pathogenic (1). 6 of the submissions do not count toward it. Last evaluated 2023-02-13.

Conditions:
MITOCHONDRIAL COMPLEX I DEFICIENCY, MITOCHONDRIAL TYPE 2.
Primary Mitochondrial Disorders. Identifiers: MedGen CN381104.
Mitochondrial disease. Also called: Mitochondrial disorder; Mitochondrial disorders. Identifiers: Orphanet 68380, MedGen C0751651, MeSH D028361, MONDO:0044970.
MELAS syndrome (MELAS). Also called: Juvenile myopathy, encephalopathy, lactic acidosis, stroke. Identifiers: Orphanet 550, MedGen C0162671, MONDO:0010789, OMIM 540000.
Mitochondrial complex IV deficiency, nuclear type 1 (MC4DN1). Also called: COX DEFICIENCY; Mitochondrial complex IV deficiency; Complex 4 mitochondrial respiratory chain deficiency; Deficiency of mitochondrial respiratory chain complex4; Complex IV deficiency. Identifiers: MedGen C5435656, MONDO:0700250, OMIM 220110. Disease mechanism: loss of function.

Submissions (7):

ClinGen Mitochondrial Disease Nuclear and Mitochondrial  Variant Curation Expert Panel, ClinGen
Classification: Likely pathogenic for Mitochondrial disease. Last evaluated: 2023-02-13. Review status: reviewed by expert panel. Criteria: McCormick et al. (Hum Mutat. 2020). Collection method: curation. Allele origin: germline. Inheritance: Mitochondrial inheritance.
Comment: The m.5728T>C variant in MT-TN has been reported in three unrelated individuals with primary mitochondrial disease (PS4_supporting). Onset was in infancy or childhood, and features seen in these individuals included myopathy, ataxia, developmental delay, multiorgan failure, ptosis, and ophthalmoplegia. The variant was seen at varying heteroplasmy levels in affected individuals, including undetectable to 50% in blood and 41-97% in muscle (PMIDs: 16908752, 23847141, 31026515). The variant was confirmed to have occurred de novo in one of the reported cases, as the variant was undetectable in the mother’s blood and muscle by next-generation sequencing (PMID: 31026515, PM6). In another case, the variant appeared to have arisen de novo as it was not detected in blood from the healthy mother, two siblings, and maternal grandmother, however technology used at the time would not have detected low levels of the variant and additional tissues were not assessed (PMID: 16908752). No details of family member testing were provided in the third case. There are no other large families reported in the medical literature with this variant to consider for evidence of segregation. There is one occurrence of this variant in GenBank dataset and it is absent in gnomAD v3.1.2 and in the Helix dataset, therefore the overall frequency is still very low (PM2_supporting). The computational predictor MitoTIP suggests this variant is pathogenic, scoring in the 71st percentile and HmtVAR also predicts it to be pathogenic, scoring 0.75 (PP3). Cybrid studies support the functional impact of this variant as a combined defect of complexes I and IV was seen (PS3_supporting; PMID: 6908752). In summary, this variant meets criteria to be classified as likely pathogenic for primary mitochondrial disease inherited in a mitochondrial manner. This classification was approved by the NICHD/NINDS U24 ClinGen Mitochondrial Disease Variant Curation Expert Panel on February 13, 2023. Mitochondrial DNA-specific ACMG/AMP criteria applied (PMID: 32906214): PS4_supporting, PS3_supporting, PM2_supporting, PP3, PM6.

Variantyx, Inc.
Classification: Likely pathogenic for primary mitochondrial disorders. Last evaluated: 2026-01-23. Review status: criteria provided, single submitter. Criteria: Variantyx Assertion Criteria 2022. Collection method: clinical testing. Allele origin: germline. Inheritance: Mitochondrial inheritance. Not counted in ClinVar's aggregate classification.
Comment: The m.5728T>C change is a variant in the MT-TN gene which encodes the mitochondrial transfer RNA for asparagine. Pathogenic variants in this gene have been associated with primary mitochondrial disorders. It is recommended to test several tissues in the mother by NGS to fully assess for the presence and level of this mtDNA variant. This variant has been reported in at least 2 unrelated affected individuals from different top-level haplogroups (PMID: 31026515, 23847141, 16908752) (PS4_Supporting). Functional studies have shown a deleterious effect for this variant (PMID: 6908752) (PS3_Moderate) and computational algorithms support a deleterious effect on the gene or gene product (Aggregate Predicted Severity Score: 0.67) (PP3). This variant is absent from control populations (PM2_Supporting). Other reputable laboratories have reported this variant as pathogenic or likely pathogenic, and this classification has been validated by an expert panel in ClinVar. Based on the current evidence, this variant is classified as likely pathogenic for primary mitochondrial disorders.

Laboratory of Genetics, Children's Clinical University Hospital Latvia
Classification: Pathogenic. Last evaluated: 2025-02-16. Review status: criteria provided, single submitter. Criteria: ACMG Guidelines, 2015. Collection method: clinical testing. Allele origin: germline. Affected: yes. Not counted in ClinVar's aggregate classification.

Mendelics
Classification: Pathogenic for Mitochondrial complex IV deficiency, nuclear type 1. Last evaluated: 2022-05-04. Review status: criteria provided, single submitter. Criteria: Mendelics Assertion Criteria 2019. Collection method: clinical testing. Allele origin: germline. Not counted in ClinVar's aggregate classification.

Wong Mito Lab, Molecular and Human Genetics, Baylor College of Medicine
Classification: Pathogenic for MELAS syndrome. Last evaluated: 2019-07-12. Review status: criteria provided, single submitter. Criteria: Modified ACMG Guidelines (Unpublished). Collection method: clinical testing. Allele origin: germline. Not counted in ClinVar's aggregate classification.
Comment: The NC_012920.1:m.5728T>C variant in MT-TN gene is interpreted to be a Pathogenic variant based on the modified ACMG guidelines (unpublished). This variant meets the following evidence codes reported in the guidelines: PS3, PM8, PM9, PP3, PP6

OMIM
Classification: Pathogenic for MITOCHONDRIAL COMPLEX I DEFICIENCY, MITOCHONDRIAL TYPE 2. Last evaluated: 2006-08-01. Review status: no assertion criteria provided. Collection method: literature only. Allele origin: germline. Not counted in ClinVar's aggregate classification.

OMIM
Classification: Pathogenic for MITOCHONDRIAL COMPLEX IV DEFICIENCY. Last evaluated: 2006-08-01. Review status: no assertion criteria provided. Collection method: literature only. Allele origin: germline. Not counted in ClinVar's aggregate classification.

Literature cited by the submitters: PubMed 16908752 (cited by 3 submitters); PubMed 31026515 (cited by Variantyx, Inc.); PubMed 23847141 (cited by Variantyx, Inc.); PubMed 6908752 (cited by Variantyx, Inc.); PubMed 31965079 (cited by Wong Mito Lab, Molecular and Human Genetics, Baylor College of Medicine).